The following is an entry in ClinVar:

NC_000011.9:g.(?_2591848)_(2592643_?)del

Gene: KCNQ1 (potassium voltage-gated channel subfamily Q member 1; plus strand). Cytogenetic location: 11p15.5.
Variant type: Deletion.
Identifiers: ClinVar variation 1074800 (VCV001074800.6).

ClinVar aggregate classification (germline): Pathogenic (1 of 4 stars; one submission).

Conditions:
Long QT syndrome (LQTS). Identifiers: MedGen C0023976, MeSH D008133, MONDO:0002442. Disease mechanism: loss of function. Inheritance: Various modes of inheritance.

Submission:

Labcorp Genetics (formerly Invitae), Labcorp
Classification: Pathogenic for Long QT syndrome. Last evaluated: 2020-09-02. Review status: criteria provided, single submitter. Criteria: Invitae Variant Classification Sherloc (09022015). Collection method: clinical testing. Allele origin: germline.
Comment: This variant is an out-of-frame deletion of the genomic region encompassing exon(s) 3-4 of the KCNQ1 gene. This is expected to create a premature translational stop signal and result in an absent or disrupted protein product. This variant has not been reported in the literature in individuals with KCNQ1-related conditions. Loss-of-function variants in KCNQ1 are known to be pathogenic (PMID: 9323054, 19862833). For these reasons, this variant has been classified as Pathogenic.

Literature cited by the submitters: PubMed 9323054; PubMed 19862833.